The following is an entry in ClinVar:

ClinVar aggregate classification (germline): Pathogenic (1 of 4 stars; one submission).

Conditions:
Congenital bilateral aplasia of vas deferens from CFTR mutation (CBAVD). Identifiers: Orphanet 48, MedGen C0403814, MONDO:0010178, OMIM 277180. Disease mechanism: loss of function.
Cystic fibrosis (CF). Also called: MUCOVISCIDOSIS. Identifiers: Orphanet 586, MedGen C0010674, MONDO:0009061, OMIM 219700. Disease mechanism: loss of function.

Submission:

Juno Genomics, Hangzhou Juno Genomics, Inc
Classification: Pathogenic for Congenital bilateral aplasia of vas deferens from CFTR mutation; Cystic fibrosis. Review status: criteria provided, single submitter. Criteria: ACMG Guidelines, 2015. Collection method: clinical testing. Allele origin: germline. Affected: yes.
Comment: Null variant in a gene where loss of function (LOF) is a known mechanism of disease.;For recessive disorders, detected in trans with a pathogenic variant.;The prevalence of the variant in affected individuals is significantly increased compared to the prevalence in controls.

NM_000492.4(CFTR):c.1210-11_1210-10delinsGTG

Genes: CFTR (CF transmembrane conductance regulator; plus strand), CFTR-AS1 (CFTR antisense RNA 1; minus strand). Cytogenetic location: 7q31.2.
Variant type: Indel.
Coding change: c.1210-11_1210-10delinsGTG on transcript NM_000492.4 (MANE Select); 11 bases into the intron before coding-DNA position 1210 through 10 bases into the intron before coding-DNA position 1210, TT replaced by GTG.
Molecular consequence: intron variant.
Genome position (GRCh38, 1-based): chr7:117,548,630-117,548,631, TT replaced by GTG. VCF-style: chr7-117548630-TT-GTG. GRCh37 (hg19) VCF-style: chr7-117188684-TT-GTG.
Identifiers: ClinVar variation 5019151 (VCV005019151.1).